The following is an entry in ClinVar:

NM_000195.5(HPS1):c.2003T>C (p.Leu668Pro)

Gene: HPS1 (HPS1 biogenesis of lysosomal organelles complex 3 subunit 1; minus strand). Cytogenetic location: 10q24.2.
Variant type: single nucleotide variant.
Coding change: c.2003T>C on transcript NM_000195.5 (MANE Select); coding-DNA position 2003, T replaced by C.
Protein change: p.Leu668Pro; replaces leucine 668 with proline.
Molecular consequence: missense variant.
Genome position (GRCh38, 1-based): chr10:98,417,664, A>G on the plus strand (T>C on the coding strand, the complement: HPS1 is on the minus strand). VCF-style: chr10-98417664-A-G. GRCh37 (hg19) VCF-style: chr10-100177421-A-G.
Other names: c.2003T>C (NM_000195.4); c.1031T>C, p.Leu344Pro (NM_001311345.2, NM_001322487.2, NM_001322489.2); c.2003T>C, p.Leu668Pro (NM_001322476.2, NM_001322477.2); c.1904T>C, p.Leu635Pro (NM_001322478.2, NM_001322479.2); c.1742T>C, p.Leu581Pro (NM_001322480.2, NM_001322481.2); c.1643T>C, p.Leu548Pro (NM_001322482.2); c.1634T>C, p.Leu545Pro (NM_001322483.2, NM_001322484.2); c.1535T>C, p.Leu512Pro (NM_001322485.2); short protein forms L668P, L344P, L548P, L545P, L512P, L581P, L635P.
Identifiers: ClinVar variation 1499624 (VCV001499624.12), dbSNP rs281865090, ClinGen allele CA341630.
Genomic context (GRCh38, chr10:98,417,664, plus strand): 5'-GCCAGCTGGCCGGCCTGCTGCACCAGCAGGTCAGTGGGGATGACAGACAGGTGCAGGGCC[A>G]GCAGCTCGTAGCACCTGACAGCCTCGGTTGGGCGGTTCTTGCTGTAGTAGCGCAGGAGCT-3'
Protein context (NP_000186.2, residues 658-678): PTEAVRCYEL[Leu668Pro]ALHLSVIPTD

ClinVar aggregate classification (germline): Pathogenic/Likely pathogenic. Review status: criteria provided, multiple submitters, no conflicts (2 of 4 stars). 4 submissions from 4 submitters: Pathogenic (2); Likely pathogenic (2). Last evaluated 2025-08-25.

Conditions:
Hermansky-Pudlak syndrome 1 (HPS1). Also called: DELTA STORAGE POOL DISEASE. Identifiers: Orphanet 231500, Orphanet 79430, MedGen C2931875, MONDO:0008748, OMIM 203300.
Hermansky-Pudlak syndrome (HPS). Also called: ALBINISM WITH HEMORRHAGIC DIATHESIS AND PIGMENTED RETICULOENDOTHELIAL CELLS. Identifiers: Orphanet 79430, MedGen C0079504, MONDO:0019312.

Allele frequency attached by ClinVar (database versions not stated): gnomAD exomes 0.00001.
gnomAD v4.1: 3 of 1,613,828 alleles (0.00019%); highest among the groups gnomAD compares: East Asian, 0.0045%; no homozygotes.

Submissions (4):

Natera, Inc.
Classification: Likely pathogenic for Hermansky-Pudlak syndrome. Last evaluated: 2025-08-25. Review status: criteria provided, single submitter. Criteria: Natera Variant Classification Schema (03/2026). Collection method: clinical testing. Allele origin: germline.
Comment: The c.2003T>C variant in HPS1 is a missense variant predicted to cause substitution of leucine to proline at amino acid 668. This variant is rare in the general population with a frequency below the threshold expected for the associated phenotype(s). This variant has been observed in one or more individuals affected with the associated recessive disease, as either homozygous or compound heterozygous with a second variant (PMID: 16185271, 31141302, 31625174, 32725903). Functional studies show that this variant may disrupt protein function (PMID: 40140412, 16185271). Computational prediction algorithms indicate this variant is likely to affect gene or protein function. Given the available evidence, this variant is classified as Likely Pathogenic.

Fulgent Genetics
Classification: Pathogenic for Hermansky-Pudlak syndrome 1. Last evaluated: 2024-03-27. Review status: criteria provided, single submitter. Criteria: ACMG Guidelines, 2015. Collection method: clinical testing. Allele origin: germline.

Women's Health and Genetics/Laboratory Corporation of America, LabCorp
Classification: Pathogenic for Hermansky-Pudlak syndrome. Last evaluated: 2024-03-25. Review status: criteria provided, single submitter. Criteria: LabCorp Variant Classification Summary - May 2015. Collection method: clinical testing. Allele origin: germline.
Comment: Variant summary: HPS1 c.2003T>C (p.Leu668Pro) results in a non-conservative amino acid change located in the FUZ/MON1/HPS1, third Longin domain (IPR043970) of the encoded protein sequence. Three of four in-silico tools predict a damaging effect of the variant on protein function. The variant was absent in 248842 control chromosomes (gnomAD). c.2003T>C has been reported in the literature in multiple individuals affected with Hermansky-Pudlak Syndrome (e.g. Ito_2005, Kanazu_2014, Wei_2016). These data indicate that the variant is very likely to be associated with disease. At least one publication reports experimental evidence evaluating an impact on protein function, indicating that the variant results in instability of the protein (Ito_2005). The following publications have been ascertained in the context of this evaluation (PMID: 16185271, 25400188, 27593200). ClinVar contains an entry for this variant (Variation ID: 1499624). Based on the evidence outlined above, the variant was classified as pathogenic.

Labcorp Genetics (formerly Invitae), Labcorp
Classification: Likely pathogenic. Last evaluated: 2022-09-26. Review status: criteria provided, single submitter. Criteria: Invitae Variant Classification Sherloc (09022015). Collection method: clinical testing. Allele origin: germline.
Comment: This sequence change replaces leucine, which is neutral and non-polar, with proline, which is neutral and non-polar, at codon 668 of the HPS1 protein (p.Leu668Pro). This variant is not present in population databases (gnomAD no frequency). This missense change has been observed in individual(s) with clinical features of Hermansky-Pudlak syndrome (PMID: 16185271, 25400188, 27593200, 31141302, 32725903). In at least one individual the data is consistent with being in trans (on the opposite chromosome) from a pathogenic variant. ClinVar contains an entry for this variant (Variation ID: 1499624). Advanced modeling of protein sequence and biophysical properties (such as structural, functional, and spatial information, amino acid conservation, physicochemical variation, residue mobility, and thermodynamic stability) performed at Invitae indicates that this missense variant is not expected to disrupt HPS1 protein function. Experimental studies have shown that this missense change affects HPS1 function (PMID: 16185271). In summary, the currently available evidence indicates that the variant is pathogenic, but additional data are needed to prove that conclusively. Therefore, this variant has been classified as Likely Pathogenic.

Literature cited by the submitters: PubMed 16185271 (cited by 3 submitters); PubMed 31141302 (cited by Natera, Inc. and Labcorp Genetics (formerly Invitae), Labcorp); PubMed 31625174 (cited by Natera, Inc.); PubMed 32725903 (cited by Natera, Inc. and Labcorp Genetics (formerly Invitae), Labcorp); PubMed 40140412 (cited by Natera, Inc.); PubMed 27593200 (cited by Women's Health and Genetics/Laboratory Corporation of America, LabCorp and Labcorp Genetics (formerly Invitae), Labcorp); PubMed 25400188 (cited by Women's Health and Genetics/Laboratory Corporation of America, LabCorp and Labcorp Genetics (formerly Invitae), Labcorp).